The following is an entry in ClinVar:

NM_006231.4(POLE):c.6685_6687del (p.Glu2229del)

Gene: POLE (DNA polymerase epsilon, catalytic subunit; minus strand). Cytogenetic location: 12q24.33.
Variant type: Deletion.
Coding change: c.6685_6687del on transcript NM_006231.4 (MANE Select); coding-DNA positions 6685 to 6687, 3 bases deleted (GAG; older notation c.6685_6687delGAG).
Protein change: p.Glu2229del; deletes glutamic acid 2229.
Genome position (GRCh38, 1-based): chr12:132,624,965-132,624,967, CTC deleted on the plus strand (GAG on the coding strand, the reverse complement: POLE is on the minus strand); deleting any 3 consecutive bases within chr12:132,624,965-132,624,969 gives the same sequence; the c. name uses the placement nearest the transcript's 3' end. VCF-style (leftmost placement, unchanged base first): chr12-132624964-TCTC-T. GRCh37 (hg19) VCF-style: chr12-133201550-TCTC-T.
Other names: short protein forms E2229del.
Identifiers: ClinVar variation 4141089 (VCV004141089.1).

ClinVar aggregate classification (germline): Uncertain significance (1 of 4 stars; one submission).

Conditions:
Hereditary cancer-predisposing syndrome. Also called: Hereditary neoplastic syndrome; Neoplastic Syndromes, Hereditary; Tumor predisposition; Hereditary Cancer Syndrome. Identifiers: Orphanet 140162, MedGen C0027672, MeSH D009386, MONDO:0015356.

Submission:

Ambry Genetics
Classification: Uncertain significance for Hereditary cancer-predisposing syndrome. Last evaluated: 2025-07-22. Review status: criteria provided, single submitter. Criteria: Ambry Variant Classification Scheme 2023. Collection method: clinical testing. Allele origin: germline.
Comment: The c.6685_6687delGAG variant (also known as p.E2229del) is located in coding exon 48 of the POLE gene. This variant results from an in-frame GAG deletion at nucleotide positions 6685 to 6687. This results in the in-frame deletion of a glutamic acid at codon 2229. This amino acid position is well conserved in available vertebrate species. Based on the available evidence, the clinical significance of this variant remains unclear.